The following is an entry in ClinVar:

NM_001205293.3(CACNA1E):c.4149T>C (p.Asp1383=)

Gene: CACNA1E (calcium voltage-gated channel subunit alpha1 E; plus strand). Cytogenetic location: 1q25.3.
Variant type: single nucleotide variant.
Coding change: c.4149T>C on transcript NM_001205293.3 (MANE Select); coding-DNA position 4149, T replaced by C.
Protein change: p.Asp1383=; no amino-acid change (aspartic acid 1383 retained).
Molecular consequence: synonymous variant.
Genome position (GRCh38, 1-based): chr1:181,756,946, T>C. VCF-style: chr1-181756946-T-C. GRCh37 (hg19) VCF-style: chr1-181726082-T-C.
Other names: c.4149T>C, p.Asp1383= (NM_000721.4); c.4092T>C, p.Asp1364= (NM_001205294.2).
Identifiers: ClinVar variation 2639614 (VCV002639614.26), dbSNP rs530293956, ClinGen allele CA1275785.
Genomic context (GRCh38, chr1:181,756,946, plus strand): 5'-GTCATCCACCATCTGTGCCCTCTTGTTCTGTCCCCATAGAGTTCTGCAGCACTCTGTAGA[T>C]GTGACAGAGGAAGACCGAGGCCCAAGCCGCAGCAACCGCATGGAGATGTCTATCTTTTAT-3'
Protein context (NP_001192222.1, residues 1373-1393): GWPQVLQHSV[Asp1383=]VTEEDRGPSR

ClinVar aggregate classification (germline): Likely benign. Review status: criteria provided, multiple submitters, no conflicts (2 of 4 stars). 2 submissions from 2 submitters: Likely benign (2). Last evaluated 2024-09-21.

Allele frequency attached by ClinVar (database versions not stated): TOPMed below 0.00001; ExAC 0.00001; gnomAD 0.00001; 1000 Genomes Project 30x 0.00016; 1000 Genomes Project 0.00020.
gnomAD v4.1: 2 of 1,612,154 alleles (0.00012%); highest among the groups gnomAD compares: African/African-American, 0.0027%; no homozygotes.

Submissions (2):

Labcorp Genetics (formerly Invitae), Labcorp
Classification: Likely benign. Last evaluated: 2024-09-21. Review status: criteria provided, single submitter. Criteria: Invitae Variant Classification Sherloc (09022015). Collection method: clinical testing. Allele origin: germline.

CeGaT Center for Human Genetics Tuebingen
Classification: Likely benign. Last evaluated: 2022-03-01. Review status: criteria provided, single submitter. Criteria: CeGaT Center For Human Genetics Tuebingen Variant Classification Criteria Version 2. Collection method: clinical testing. Allele origin: germline. Affected: yes. Observed: 1 variant allele.
Comment: CACNA1E: BP4, BP7